The following is an entry in ClinVar:

NM_000548.5(TSC2):c.2356-4G>A

Gene: TSC2 (TSC complex subunit 2; plus strand). Cytogenetic location: 16p13.3.
Variant type: single nucleotide variant.
Coding change: c.2356-4G>A on transcript NM_000548.5 (MANE Select); 4 bases into the intron before coding-DNA position 2356, G replaced by A.
Molecular consequence: intron variant.
Genome position (GRCh38, 1-based): chr16:2,074,196, G>A. VCF-style: chr16-2074196-G-A. GRCh37 (hg19) VCF-style: chr16-2124197-G-A.
Other names: c.2356-4G>A (NM_001114382.3, NM_021055.3, NM_001370405.1 and 4 more transcripts); c.2245-4G>A (NM_001318827.2); c.1756-4G>A (NM_001318831.2); c.2209-4G>A (NM_001318829.2); c.2389-4G>A (NM_001318832.2).
Identifiers: ClinVar variation 427996 (VCV000427996.23), dbSNP rs201156748, ClinGen allele CA276740749.

ClinVar aggregate classification (germline): Benign/Likely benign. Review status: criteria provided, multiple submitters, no conflicts (2 of 4 stars). 7 submissions from 7 submitters: Benign (1); Likely benign (5). 1 of the submissions does not count toward it. Last evaluated 2026-01-27.

Conditions:
TSC2-related disorder. Also called: TSC2-related condition; TSC2-Related Disorders.
Tuberous sclerosis syndrome (TSC). Also called: Tuberous Sclerosis Complex; Tuberous sclerosis. Identifiers: Orphanet 805, MedGen C0041341, MONDO:0001734.
Hereditary cancer-predisposing syndrome. Also called: Hereditary neoplastic syndrome; Tumor predisposition; Neoplastic Syndromes, Hereditary; Hereditary Cancer Syndrome. Identifiers: Orphanet 140162, MedGen C0027672, MeSH D009386, MONDO:0015356.
Tuberous sclerosis 2 (TSC2). Identifiers: Orphanet 805, MedGen C1860707, MONDO:0013199, OMIM 613254.

Allele frequency attached by ClinVar (database versions not stated): gnomAD exomes below 0.00001 and 0.00001; TOPMed below 0.00001; gnomAD 0.00001.
gnomAD v4.1: 7 of 1,610,718 alleles (0.00043%); highest among the groups gnomAD compares: Non-Finnish European, 0.00059%; no homozygotes.

Submissions (7):

Labcorp Genetics (formerly Invitae), Labcorp
Classification: Likely benign for Tuberous sclerosis 2. Last evaluated: 2026-01-27. Review status: criteria provided, single submitter. Criteria: Invitae Variant Classification Sherloc (09022015). Collection method: clinical testing. Allele origin: germline.

Myriad Genetics, Inc.
Classification: Likely benign for Tuberous sclerosis 2. Last evaluated: 2025-05-20. Review status: criteria provided, single submitter. Criteria: Myriad Autosomal Dominant, Autosomal Recessive and X-Linked Classification Criteria (2023). Collection method: clinical testing. Allele origin: unknown.
Comment: This variant is considered likely benign. This variant is intronic and is not expected to impact mRNA splicing.

Ambry Genetics
Classification: Benign for Hereditary cancer-predisposing syndrome. Last evaluated: 2024-02-12. Review status: criteria provided, single submitter. Criteria: Ambry Variant Classification Scheme 2023. Collection method: clinical testing. Allele origin: germline.

Color Diagnostics, LLC DBA Color Health
Classification: Likely benign for Tuberous sclerosis syndrome. Last evaluated: 2023-06-15. Review status: criteria provided, single submitter. Criteria: ACMG Guidelines, 2015. Collection method: clinical testing. Allele origin: germline.

Genome-Nilou Lab
Classification: Likely benign for Tuberous sclerosis 2. Last evaluated: 2021-11-07. Review status: criteria provided, single submitter. Criteria: ACMG Guidelines, 2015. Collection method: clinical testing. Allele origin: germline. Affected: no.

GeneDx
Classification: Likely benign. Last evaluated: 2019-11-20. Review status: criteria provided, single submitter. Criteria: GeneDx Variant Classification Process June 2021. Collection method: clinical testing. Allele origin: germline. Affected: yes.

PreventionGenetics, part of Exact Sciences
Classification: Likely benign for TSC2-related condition. Last evaluated: 2023-04-20. Review status: no assertion criteria provided. Collection method: clinical testing. Allele origin: germline. Not counted in ClinVar's aggregate classification.
Comment: This variant is classified as likely benign based on ACMG/AMP sequence variant interpretation guidelines (Richards et al. 2015 PMID: 25741868, with internal and published modifications).